The following is an entry in ClinVar:

ClinVar aggregate classification (germline): Uncertain significance (1 of 4 stars; one submission).

Conditions:
Danon disease. Also called: PSEUDOGLYCOGENOSIS II; GSD IIb; LYSOSOMAL GLYCOGEN STORAGE DISEASE WITHOUT ACID MALTASE DEFICIENCY; Glycogen Storage Disease Type IIb; ANTOPOL DISEASE. Identifiers: Orphanet 34587, MedGen C0878677, MONDO:0010281, OMIM 300257.

Allele frequency attached by ClinVar (database versions not stated): gnomAD exomes below 0.00001.
gnomAD v4.1: 1 of 1,206,763 alleles (0.000083%); highest among the groups gnomAD compares: Non-Finnish European, 0.00011%; no homozygotes.

Submission:

Labcorp Genetics (formerly Invitae), Labcorp
Classification: Uncertain significance for Danon disease. Last evaluated: 2026-01-28. Review status: criteria provided, single submitter. Criteria: Invitae Variant Classification Sherloc (09022015). Collection method: clinical testing. Allele origin: germline.
Comment: This sequence change replaces cysteine, which is neutral and slightly polar, with tyrosine, which is neutral and polar, at codon 368 of the LAMP2 protein (p.Cys368Tyr). This variant is not present in population databases (gnomAD no frequency). This variant has not been reported in the literature in individuals affected with LAMP2-related conditions. ClinVar contains an entry for this variant (Variation ID: 2178404). Invitae Evidence Modeling of protein sequence and biophysical properties (such as structural, functional, and spatial information, amino acid conservation, physicochemical variation, residue mobility, and thermodynamic stability) indicates that this missense variant is expected to disrupt LAMP2 protein function with a positive predictive value of 80%. In summary, the available evidence is currently insufficient to determine the role of this variant in disease. Therefore, it has been classified as a Variant of Uncertain Significance.

NM_002294.3(LAMP2):c.1103G>A (p.Cys368Tyr)

Gene: LAMP2 (lysosome associated membrane protein 2; minus strand). Cytogenetic location: Xq24.
Variant type: single nucleotide variant.
Coding change: c.1103G>A on transcript NM_002294.3 (MANE Select); coding-DNA position 1103, G replaced by A.
Protein change: p.Cys368Tyr; replaces cysteine 368 with tyrosine.
Molecular consequence: missense variant. On other transcripts: intron variant (1).
Genome position (GRCh38, 1-based): chrX:120,431,453, C>T on the plus strand (G>A on the coding strand, the complement: LAMP2 is on the minus strand). VCF-style: chrX-120431453-C-T. GRCh37 (hg19) VCF-style: chrX-119565308-C-T.
Other names: c.1094-2827G>A (NM_001122606.1); short protein forms C368Y.
Identifiers: ClinVar variation 2178404 (VCV002178404.4), dbSNP rs2520818006, ClinGen allele CA414398414.
Genomic context (GRCh38, chrX:120,431,453, plus strand): 5'-ACTCCTGCCAAGGCAGCTCCCACCGCTATGGGCACAAGGAAGTTGTCGTCATCTGCACTG[C>T]AGTCTTGAGCTAGATGTGGAGAAAGGACAATTGAGAACAGAAACAGTGACAAACTTTCAA-3'
Protein context (NP_002285.1, residues 358-378): TQGKYSTAQD[Cys368Tyr]SADDDNFLVP